The following is an entry in ClinVar:

ClinVar aggregate classification (germline): Conflicting classifications of pathogenicity. Review status: criteria provided, conflicting classifications (1 of 4 stars). 4 submissions from 4 submitters: Likely pathogenic (1); Uncertain significance (3). Last evaluated 2025-10-27.

Conditions:
Marfan syndrome (MFS). Also called: MARFAN SYNDROME, TYPE I; FBN1-Related Marfan Syndrome; Marfan syndrome, classic; Marfan syndrome type 1; Marfan's syndrome. Identifiers: Orphanet 284963, Orphanet 558, MedGen C0024796, MONDO:0007947, OMIM 154700.
Familial thoracic aortic aneurysm and aortic dissection (TAAD). Also called: Thoracic aortic aneurysms and dissections. Identifiers: Orphanet 91387, MedGen C4707243, MONDO:0019625.

Submissions (4):

Labcorp Genetics (formerly Invitae), Labcorp
Classification: Likely pathogenic for Marfan syndrome; Familial thoracic aortic aneurysm and aortic dissection. Last evaluated: 2025-10-27. Review status: criteria provided, single submitter. Criteria: Invitae Variant Classification Sherloc (09022015). Collection method: clinical testing. Allele origin: germline.
Comment: This sequence change replaces isoleucine, which is neutral and non-polar, with threonine, which is neutral and polar, at codon 724 of the FBN1 protein (p.Ile724Thr). This variant is not present in population databases (gnomAD no frequency). This missense change has been observed in individual(s) with aortic dilation (internal data). ClinVar contains an entry for this variant (Variation ID: 237084). Invitae Evidence Modeling of protein sequence and biophysical properties (such as structural, functional, and spatial information, amino acid conservation, physicochemical variation, residue mobility, and thermodynamic stability) indicates that this missense variant is expected to disrupt FBN1 protein function with a positive predictive value of 95%. This variant disrupts the p.Ile724 amino acid residue in FBN1. Other variant(s) that disrupt this residue have been observed in individuals with FBN1-related conditions (PMID: 31825148; internal data), which suggests that this may be a clinically significant amino acid residue. In summary, the currently available evidence indicates that the variant is pathogenic, but additional data are needed to prove that conclusively. Therefore, this variant has been classified as Likely Pathogenic.

Blueprint Genetics
Classification: Uncertain significance. Last evaluated: 2024-11-05. Review status: criteria provided, single submitter. Criteria: ACMG Guidelines, 2015. Collection method: clinical testing. Allele origin: germline.

ARUP Laboratories, Molecular Genetics and Genomics, ARUP Laboratories
Classification: Uncertain significance. Last evaluated: 2024-03-29. Review status: criteria provided, single submitter. Criteria: ARUP Molecular Germline Variant Investigation Process 2024. Collection method: clinical testing. Allele origin: germline.
Comment: The FBN1 c.2171T>C; p.Ile724Thr variant (rs878853677), to our knowledge, is not reported in the medical literature but is reported in ClinVar (Variation ID: 237084). This variant is absent from the Genome Aggregation Database, indicating it is not a common polymorphism. Computational analyses predict that this variant is deleterious (REVEL: 0.936). Other variants at this codon (p.Ile724Val, p.Ile724Arg) have been reported in individuals with suspected Marfan syndrome (Ogawa 2011, Tjeldhorn 2006). However, due to the lack of clinical and functional data regarding the p.Ile724Thr variant, its clinical significance is uncertain at this time. References: Ogawa N et al. Evaluating Japanese patients with the Marfan syndrome using high-throughput microarray-based mutational analysis of fibrillin-1 gene. Am J Cardiol. 2011 Dec 15;108(12):1801-7. PMID: 21907952. Tjeldhorn L et al. Rapid and efficient FBN1 mutation detection using automated sample preparation and direct sequencing as the primary strategy. Genet Test. 2006 Winter;10(4):258-64. PMID: 17253931.

Women's Health and Genetics/Laboratory Corporation of America, LabCorp
Classification: Uncertain significance. Last evaluated: 2016-02-02. Review status: criteria provided, single submitter. Criteria: LabCorp Variant Classification Summary - May 2015. Collection method: clinical testing. Allele origin: germline.
Comment: Variant summary: c.2171T>C affects a highly-conserved nucleotide, resulting in amino acid change from Ile to Thr. 4/4 in-silico tools predict this variant to be damaging (SNPs&GO not captured due to low reliability index). This variant was not found in 121116 control chromosomes. The variant of interest has not been reported in affected individuals via publications and/or reputable databases/clinical laboratories; nor evaluated for functional impact by in vivo/vitro studies. Because of the absence of clinical information and the lack of functional studies, the variant was classified as a variant of uncertain significance (VUS) until additional information becomes available.

Literature cited by the submitters: PubMed 31825148 (cited by Labcorp Genetics (formerly Invitae), Labcorp).

NM_000138.5(FBN1):c.2171T>C (p.Ile724Thr)

Gene: FBN1 (fibrillin 1; minus strand). Cytogenetic location: 15q21.1.
Variant type: single nucleotide variant.
Coding change: c.2171T>C on transcript NM_000138.5 (MANE Select); coding-DNA position 2171, T replaced by C.
Protein change: p.Ile724Thr; replaces isoleucine 724 with threonine.
Molecular consequence: missense variant.
Genome position (GRCh38, 1-based): chr15:48,497,388, A>G on the plus strand (T>C on the coding strand, the complement: FBN1 is on the minus strand). VCF-style: chr15-48497388-A-G. GRCh37 (hg19) VCF-style: chr15-48789585-A-G.
Other names: short protein forms I724T.
Identifiers: ClinVar variation 237084 (VCV000237084.19), dbSNP rs878853677, ClinGen allele CA10583251.